The following is an entry in ClinVar:

NM_001384474.1(LOXHD1):c.5298_5299del (p.Asp1768fs)

Gene: LOXHD1 (lipoxygenase homology PLAT domains 1; minus strand). Cytogenetic location: 18q21.1.
Variant type: Deletion.
Coding change: c.5298_5299del on transcript NM_001384474.1 (MANE Select); coding-DNA positions 5298 to 5299, 2 bases deleted (AG; older notation c.5298_5299delAG).
Protein change: p.Asp1768fs; shifts the reading frame from aspartic acid 1768.
Molecular consequence: frameshift variant.
Genome position (GRCh38, 1-based): chr18:46,518,229-46,518,230, CT deleted on the plus strand (AG on the coding strand, the reverse complement: LOXHD1 is on the minus strand). VCF-style (leftmost placement, unchanged base first): chr18-46518228-CCT-C. GRCh37 (hg19) VCF-style: chr18-44098191-CCT-C.
Other names: c.1965_1966del, p.Asp657fs (NM_001145472.3); c.15_16del, p.Asp7fs (NM_001145473.3, NM_001173129.2); c.1677_1678del, p.Asp561fs (NM_001308013.2); c.5112_5113del, p.Asp1706fs (NM_144612.7); short protein forms D561fs, D657fs, D1768fs, D7fs, D1706fs.
Identifiers: ClinVar variation 3641864 (VCV003641864.2).

ClinVar aggregate classification (germline): Pathogenic (1 of 4 stars; one submission).

Submission:

Labcorp Genetics (formerly Invitae), Labcorp
Classification: Pathogenic. Last evaluated: 2024-02-18. Review status: criteria provided, single submitter. Criteria: Invitae Variant Classification Sherloc (09022015). Collection method: clinical testing. Allele origin: germline.
Comment: This sequence change creates a premature translational stop signal (p.Asp1706Cysfs*7) in the LOXHD1 gene. It is expected to result in an absent or disrupted protein product. Loss-of-function variants in LOXHD1 are known to be pathogenic (PMID: 19732867, 21465660, 25792669). This variant is not present in population databases (gnomAD no frequency). This variant has not been reported in the literature in individuals affected with LOXHD1-related conditions. For these reasons, this variant has been classified as Pathogenic.

Literature cited by the submitters: PubMed 19732867; PubMed 21465660; PubMed 25792669.